The following is an entry in ClinVar:

ClinVar aggregate classification (germline): Uncertain significance. Review status: criteria provided, multiple submitters, no conflicts (2 of 4 stars). 3 submissions from 3 submitters: Uncertain significance (3). Last evaluated 2025-09-25.

Conditions:
Hereditary cancer-predisposing syndrome. Also called: Tumor predisposition; Hereditary Cancer Syndrome; Hereditary neoplastic syndrome; Neoplastic Syndromes, Hereditary. Identifiers: Orphanet 140162, MedGen C0027672, MeSH D009386, MONDO:0015356.
Familial adenomatous polyposis 1 (FAP1). Also called: FAMILIAL ADENOMATOUS POLYPOSIS 1, ATTENUATED; POLYPOSIS, ADENOMATOUS INTESTINAL. Identifiers: MedGen C2713442, MONDO:0021056, OMIM 175100. Disease mechanism: loss of function.

Submissions (3):

Ambry Genetics
Classification: Uncertain significance for Hereditary cancer-predisposing syndrome. Last evaluated: 2025-09-25. Review status: criteria provided, single submitter. Criteria: Ambry Variant Classification Scheme 2023. Collection method: clinical testing. Allele origin: germline.
Comment: The p.R1331G variant (also known as c.3991A>G), located in coding exon 15 of the APC gene, results from an A to G substitution at nucleotide position 3991. The arginine at codon 1331 is replaced by glycine, an amino acid with dissimilar properties. This amino acid position is conserved. In addition, in silico predictors for this gene do not accurately predict pathogenicity. Based on the available evidence, the clinical significance of this variant remains unclear.

Color Diagnostics, LLC DBA Color Health
Classification: Uncertain significance for Hereditary cancer-predisposing syndrome. Last evaluated: 2025-08-22. Review status: criteria provided, single submitter. Criteria: ACMG Guidelines, 2015. Collection method: clinical testing. Allele origin: germline.
Comment: This missense variant replaces arginine with glycine at codon 1331 of the APC protein. Computational prediction is inconclusive regarding the impact of this variant on protein structure and function. To our knowledge, functional studies have not been reported for this variant. This variant has not been reported in individuals affected with APC-related disorders in the literature. This variant has not been identified in the general population by the Genome Aggregation Database (gnomAD). The available evidence is insufficient to determine the role of this variant in disease conclusively. Therefore, this variant is classified as a Variant of Uncertain Significance.

Labcorp Genetics (formerly Invitae), Labcorp
Classification: Uncertain significance for Familial adenomatous polyposis 1. Last evaluated: 2023-12-19. Review status: criteria provided, single submitter. Criteria: Invitae Variant Classification Sherloc (09022015). Collection method: clinical testing. Allele origin: germline.
Comment: This sequence change replaces arginine, which is basic and polar, with glycine, which is neutral and non-polar, at codon 1331 of the APC protein (p.Arg1331Gly). This variant is not present in population databases (gnomAD no frequency). This variant has not been reported in the literature in individuals affected with APC-related conditions. ClinVar contains an entry for this variant (Variation ID: 1467896). Advanced modeling of protein sequence and biophysical properties (such as structural, functional, and spatial information, amino acid conservation, physicochemical variation, residue mobility, and thermodynamic stability) performed at Invitae indicates that this missense variant is not expected to disrupt APC protein function with a negative predictive value of 95%. In summary, the available evidence is currently insufficient to determine the role of this variant in disease. Therefore, it has been classified as a Variant of Uncertain Significance.

NM_000038.6(APC):c.3991A>G (p.Arg1331Gly)

Gene: APC (APC regulator of Wnt signaling pathway; plus strand). Cytogenetic location: 5q22.2.
Variant type: single nucleotide variant.
Coding change: c.3991A>G on transcript NM_000038.6 (MANE Select); coding-DNA position 3991, A replaced by G.
Protein change: p.Arg1331Gly; replaces arginine 1331 with glycine.
Molecular consequence: missense variant.
Genome position (GRCh38, 1-based): chr5:112,839,585, A>G. VCF-style: chr5-112839585-A-G. GRCh37 (hg19) VCF-style: chr5-112175282-A-G.
Other names: c.3991A>G (NM_000038.5); c.3991A>G, p.Arg1331Gly (NM_001127510.3, NM_001354895.2); c.3937A>G, p.Arg1313Gly (NM_001127511.3); c.4045A>G, p.Arg1349Gly (NM_001354896.2); c.4021A>G, p.Arg1341Gly (NM_001354897.2); c.3916A>G, p.Arg1306Gly (NM_001354898.2); c.3907A>G, p.Arg1303Gly (NM_001354899.2); c.3868A>G, p.Arg1290Gly (NM_001354900.2); and 6 more; short protein forms R1240G, R1303G, R1313G, R1341G, R1171G, R1272G, R1349G, R1048G.
Identifiers: ClinVar variation 1467896 (VCV001467896.9), dbSNP rs1765576393, ClinGen allele CA16030082.
Genomic context (GRCh38, chr5:112,839,585, plus strand): 5'-ATTGGAACTAGGTCAGCTGAAGATCCTGTGAGCGAAGTTCCAGCAGTGTCACAGCACCCT[A>G]GAACCAAATCCAGCAGACTGCAGGGTTCTAGTTTATCTTCAGAATCAGCCAGGCACAAAG-3'
Protein context (NP_000029.2, residues 1321-1341): SEVPAVSQHP[Arg1331Gly]TKSSRLQGSS